The following is an entry in ClinVar:

ClinVar aggregate classification (germline): Pathogenic/Likely pathogenic. Review status: criteria provided, multiple submitters, no conflicts (2 of 4 stars). 2 submissions from 2 submitters: Pathogenic (1); Likely pathogenic (1). Last evaluated 2025-01-29.

Conditions:
Deficiency of galactokinase. Also called: GALACTOSEMIA II; Galactokinase deficiency with cataracts. Identifiers: Orphanet 352, Orphanet 79237, MedGen C0268155, MONDO:0009255, OMIM 230200.

Submissions (2):

Natera, Inc.
Classification: Likely pathogenic for Deficiency of galactokinase. Last evaluated: 2025-01-29. Review status: criteria provided, single submitter. Criteria: Natera Variant Classification Schema (03/2026). Collection method: clinical testing. Allele origin: germline.
Comment: The c.388dup variant in GALK1 is a frameshift variant predicted to shift the reading frame beginning at codon 130 and leads to a stop codon 73 codons downstream. This variant is expected to result in nonsense mediated decay, truncation, or a dysfunctional protein product. This variant is rare in the general population with a frequency below the threshold expected for the associated phenotype(s). Given the available evidence, this variant is classified as Likely Pathogenic.

Myriad Genetics, Inc.
Classification: Pathogenic for Deficiency of galactokinase. Last evaluated: 2024-08-28. Review status: criteria provided, single submitter. Criteria: Myriad Autosomal Dominant, Autosomal Recessive and X-Linked Classification Criteria (2023). Collection method: clinical testing. Allele origin: unknown.
Comment: NM_000154.1(GALK1):c.388dupG(V130Gfs*73) is expected to be pathogenic in the context of galactokinase deficiency. This variant is predicted to lead to an abnormal or absent protein product due to the creation of a premature termination codon in GALK1, a gene where loss-of-function variants are known to be pathogenic. Please note: this variant was assessed in the context of healthy population screening.

NM_000154.2(GALK1):c.388dup (p.Val130fs)

Gene: GALK1 (galactokinase 1; minus strand). Cytogenetic location: 17q25.1.
Variant type: Duplication.
Coding change: c.388dup on transcript NM_000154.2 (MANE Select); coding-DNA position 388, one base duplicated (G; older notation c.388dupG).
Protein change: p.Val130fs; shifts the reading frame from valine 130.
Molecular consequence: frameshift variant.
Genome position (GRCh38, 1-based): chr17:75,763,407, C duplicated on the plus strand (G on the coding strand, the reverse complement: GALK1 is on the minus strand); the first of 2 consecutive C bases (chr17:75,763,407-75,763,408); duplicating either gives the same sequence. VCF-style (leftmost placement, unchanged base first): chr17-75763406-A-AC. GRCh37 (hg19) VCF-style: chr17-73759487-A-AC.
Other names: c.388dup, p.Val130fs (NM_001381985.1); short protein forms V130fs.
Identifiers: ClinVar variation 4068258 (VCV004068258.3).
Genomic context (GRCh38, chr17:75,763,406, plus strand): 5'-TACGTGGCCACTTCCAAGGATGCTGAGCTGGACAGGCCACCCCCCAGGGGCACTGAGCTG[A>AC]CCACCACTGCACTGAAGCCAGGGAGGGGGGCAGCTGCAGGGGAAAGAACAGGTGATGGTA-3'